The following is an entry in ClinVar:

NM_000548.5(TSC2):c.2221-19G>A

Gene: TSC2 (TSC complex subunit 2; plus strand). Cytogenetic location: 16p13.3.
Variant type: single nucleotide variant.
Coding change: c.2221-19G>A on transcript NM_000548.5 (MANE Select); 19 bases into the intron before coding-DNA position 2221, G replaced by A.
Molecular consequence: intron variant.
Genome position (GRCh38, 1-based): chr16:2,072,830, G>A. VCF-style: chr16-2072830-G-A. GRCh37 (hg19) VCF-style: chr16-2122831-G-A.
Other names: c.2221-19G>A (NM_001114382.3, NM_021055.3, NM_001370405.1 and 3 more transcripts); c.2110-19G>A (NM_001318827.2); c.1621-19G>A (NM_001318831.2); c.2074-19G>A (NM_001318829.2); c.2254-19G>A (NM_001318832.2).
Identifiers: ClinVar variation 1528686 (VCV001528686.9), dbSNP rs775879508, ClinGen allele CA037498.

ClinVar aggregate classification (germline): Benign/Likely benign. Review status: criteria provided, multiple submitters, no conflicts (2 of 4 stars). 2 submissions from 2 submitters: Benign (1); Likely benign (1). Last evaluated 2025-12-05.

Conditions:
Tuberous sclerosis 2 (TSC2). Identifiers: Orphanet 805, MedGen C1860707, MONDO:0013199, OMIM 613254.

Allele frequency attached by ClinVar (database versions not stated): ExAC 0.00001; gnomAD 0.00001; gnomAD exomes 0.00001.
gnomAD v4.1: 11 of 1,613,256 alleles (0.00068%); highest among the groups gnomAD compares: East Asian, 0.013%; no homozygotes.

Submissions (2):

Labcorp Genetics (formerly Invitae), Labcorp
Classification: Likely benign for Tuberous sclerosis 2. Last evaluated: 2025-12-05. Review status: criteria provided, single submitter. Criteria: Invitae Variant Classification Sherloc (09022015). Collection method: clinical testing. Allele origin: germline.

Myriad Genetics, Inc.
Classification: Benign for Tuberous sclerosis 2. Last evaluated: 2024-09-09. Review status: criteria provided, single submitter. Criteria: Myriad Autosomal Dominant, Autosomal Recessive and X-Linked Classification Criteria (2023). Collection method: clinical testing. Allele origin: unknown.
Comment: This variant is considered benign. This variant is intronic and is not expected to impact mRNA splicing. This variant has been observed at a population frequency that is significantly greater than expected given the associated disease prevalence and penetrance.